The following is an entry in ClinVar:

NM_000823.4(GHRHR):c.598-10T>C

Gene: GHRHR (growth hormone releasing hormone receptor; plus strand). Cytogenetic location: 7p14.3.
Variant type: single nucleotide variant.
Coding change: c.598-10T>C on transcript NM_000823.4 (MANE Select); 10 bases into the intron before coding-DNA position 598, T replaced by C.
Molecular consequence: intron variant.
Genome position (GRCh38, 1-based): chr7:30,973,975, T>C. VCF-style: chr7-30973975-T-C. GRCh37 (hg19) VCF-style: chr7-31013590-T-C.
Identifiers: ClinVar variation 360031 (VCV000360031.17), dbSNP rs35609199, ClinGen allele CA4208589.
Genomic context (GRCh38, chr7:30,973,975, plus strand): 5'-GGGTAGAGGAGACTGGGATGGGGCTCCAGTGGGTGTCCCAGCTCTGAAGCACCCAGGTCC[T>C]GGCCCCCAGGTTCTATGCAAGGTCTCTGTGGCCGCCTCCCATTTCGCCACCATGACCAAC-3'

ClinVar aggregate classification (germline): Benign. Review status: criteria provided, multiple submitters, no conflicts (2 of 4 stars). 4 submissions from 4 submitters: Benign (3). 1 of the submissions does not count toward it. Last evaluated 2026-02-02.

Conditions:
Isolated growth hormone deficiency type IB (IGHD1B). Also called: IGHD IB; IGHD 1B. Identifiers: Orphanet 231671, Orphanet 631, MedGen C2748571, MONDO:0013006, OMIM 612781.
GHRHR-related disorder. Also called: GHRHR-related condition.

Allele frequency attached by ClinVar (database versions not stated): gnomAD exomes 0.03995 and 0.06190; ExAC 0.06523; gnomAD 0.10516 and 0.10863; ESP Exome Variant Server 0.11187; TOPMed 0.11564; 1000 Genomes Project 0.13319; 1000 Genomes Project 30x 0.13804.
gnomAD v4.1: 75,491 of 1,612,620 alleles (4.7%); highest among the groups gnomAD compares: African/African-American, 28%; 4,343 homozygotes.

Submissions (4):

Labcorp Genetics (formerly Invitae), Labcorp
Classification: Benign. Last evaluated: 2026-02-02. Review status: criteria provided, single submitter. Criteria: Invitae Variant Classification Sherloc (09022015). Collection method: clinical testing. Allele origin: germline.

GeneDx
Classification: Benign. Last evaluated: 2021-06-09. Review status: criteria provided, single submitter. Criteria: GeneDx Variant Classification Process June 2021. Collection method: clinical testing. Allele origin: germline. Affected: yes.

Illumina Laboratory Services, Illumina
Classification: Benign for Isolated growth hormone deficiency type IB. Last evaluated: 2018-01-13. Review status: criteria provided, single submitter. Criteria: ICSL Variant Classification Criteria 13 December 2019. Collection method: clinical testing. Allele origin: germline.
Comment: This variant was observed in the ICSL laboratory as part of a predisposition screen in an ostensibly healthy population. It had not been previously curated by ICSL or reported in the Human Gene Mutation Database (HGMD: prior to June 1st, 2018), and was therefore a candidate for classification through an automated scoring system. Utilizing variant allele frequency, disease prevalence and penetrance estimates, and inheritance mode, an automated score was calculated to assess if this variant is too frequent to cause the disease. Based on the score and internal cut-off values, a variant classified as benign is not then subjected to further curation. The score for this variant resulted in a classification of benign for this disease.

PreventionGenetics, part of Exact Sciences
Classification: Benign for GHRHR-related condition. Last evaluated: 2019-11-06. Review status: no assertion criteria provided. Collection method: clinical testing. Allele origin: germline. Not counted in ClinVar's aggregate classification.
Comment: This variant is classified as benign based on ACMG/AMP sequence variant interpretation guidelines (Richards et al. 2015 PMID: 25741868, with internal and published modifications).